The following is an entry in ClinVar:

NM_000264.5(PTCH1):c.456del (p.Met152fs)

Gene: PTCH1 (patched 1; minus strand). Cytogenetic location: 9q22.32.
Variant type: Deletion.
Coding change: c.456del on transcript NM_000264.5 (MANE Select); coding-DNA position 456, one base deleted (G; older notation c.456delG).
Protein change: p.Met152fs; shifts the reading frame from methionine 152.
Molecular consequence: frameshift variant. On other transcripts: initiator codon variant (4), non-coding transcript variant (1).
Genome position (GRCh38, 1-based): chr9:95,485,813, C deleted on the plus strand (G on the coding strand, the reverse complement: PTCH1 is on the minus strand). VCF-style (leftmost placement, unchanged base first): chr9-95485812-AC-A. GRCh37 (hg19) VCF-style: chr9-98248094-AC-A.
Other names: c.258del, p.Met86fs (NM_001083602.3, NM_001354919.2); c.453del, p.Met151fs (NM_001083603.3); c.3del, p.Met1fs (NM_001083604.3, NM_001083605.3, NM_001083606.3 and 1 more transcripts); c.456del, p.Met152fs (NM_001354918.2); short protein forms M86fs, M152fs, M151fs, M1fs.
Identifiers: ClinVar variation 1741547 (VCV001741547.3), dbSNP rs2538269188, ClinGen allele CA2580081055.
Genomic context (GRCh38, chr9:95,485,812, plus strand): 5'-CTGTGGTCAGGACATTAGCACCTTCTTCTTTAGGGGTCTGTATCATGAGTTGAGGATTAA[AC>A]ATAGCCTCTTCTCCAATCTTCTGGCGAGTATAATTTAATTCACGACTTACTCGTCCTCCA-3'

ClinVar aggregate classification (germline): Pathogenic (1 of 4 stars; one submission).

Conditions:
Hereditary cancer-predisposing syndrome. Also called: Hereditary Cancer Syndrome; Hereditary neoplastic syndrome; Neoplastic Syndromes, Hereditary; Tumor predisposition. Identifiers: Orphanet 140162, MedGen C0027672, MeSH D009386, MONDO:0015356.

Submission:

Ambry Genetics
Classification: Pathogenic for Hereditary cancer-predisposing syndrome. Last evaluated: 2020-10-28. Review status: criteria provided, single submitter. Criteria: Ambry Variant Classification Scheme 2023. Collection method: clinical testing. Allele origin: germline.
Comment: The c.456delG pathogenic mutation, located in coding exon 3 of the PTCH1 gene, results from a deletion of one nucleotide at nucleotide position 456, causing a translational frameshift with a predicted alternate stop codon (p.M152Ifs*7). This alteration is expected to result in loss of function by premature protein truncation or nonsense-mediated mRNA decay. As such, this alteration is interpreted as a disease-causing mutation.